The following is an entry in ClinVar:

NM_001277115.2(DNAH11):c.12045T>C (p.Asp4015=)

Gene: DNAH11 (dynein axonemal heavy chain 11; plus strand). Cytogenetic location: 7p15.3.
Variant type: single nucleotide variant.
Coding change: c.12045T>C on transcript NM_001277115.2 (MANE Select); coding-DNA position 12045, T replaced by C.
Protein change: p.Asp4015=; no amino-acid change (aspartic acid 4015 retained).
Molecular consequence: synonymous variant.
Genome position (GRCh38, 1-based): chr7:21,873,351, T>C. VCF-style: chr7-21873351-T-C. GRCh37 (hg19) VCF-style: chr7-21912969-T-C.
Identifiers: ClinVar variation 454647 (VCV000454647.17), dbSNP rs537127251, ClinGen allele CA4182956.

ClinVar aggregate classification (germline): Benign/Likely benign. Review status: criteria provided, multiple submitters, no conflicts (2 of 4 stars). 4 submissions from 4 submitters: Benign (1); Likely benign (2). 1 of the submissions does not count toward it. Last evaluated 2026-07-01.

Conditions:
DNAH11-related disorder. Also called: DNAH11-related condition.
Primary ciliary dyskinesia. Also called: Ciliary dyskinesia. Identifiers: Orphanet 244, MedGen C0008780, MONDO:0016575, HP:0012265.

Allele frequency attached by ClinVar (database versions not stated): ExAC 0.00175; 1000 Genomes Project 30x 0.00344; 1000 Genomes Project 0.00419; gnomAD 0.00001 and 0.00036; TOPMed 0.00007; gnomAD exomes 0.00058 and 0.00135.
gnomAD v4.1: 915 of 1,613,550 alleles (0.057%); highest among the groups gnomAD compares: South Asian, 0.94%; 14 homozygotes.

Submissions (4):

CeGaT Center for Human Genetics Tuebingen
Classification: Likely benign. Last evaluated: 2026-07-01. Review status: criteria provided, single submitter. Criteria: CeGaT Center For Human Genetics Tuebingen Variant Classification Criteria Version 2. Collection method: clinical testing. Allele origin: germline. Affected: yes. Observed: 1 variant allele.
Comment: DNAH11: BP4, BP7, BS2

Labcorp Genetics (formerly Invitae), Labcorp
Classification: Benign for Primary ciliary dyskinesia. Last evaluated: 2026-01-31. Review status: criteria provided, single submitter. Criteria: Invitae Variant Classification Sherloc (09022015). Collection method: clinical testing. Allele origin: germline.

Ambry Genetics
Classification: Likely benign for Primary ciliary dyskinesia. Last evaluated: 2023-05-22. Review status: criteria provided, single submitter. Criteria: Ambry Variant Classification Scheme 2023. Collection method: clinical testing. Allele origin: germline.

PreventionGenetics, part of Exact Sciences
Classification: Benign for DNAH11-related condition. Last evaluated: 2019-07-04. Review status: no assertion criteria provided. Collection method: clinical testing. Allele origin: germline. Not counted in ClinVar's aggregate classification.
Comment: This variant is classified as benign based on ACMG/AMP sequence variant interpretation guidelines (Richards et al. 2015 PMID: 25741868, with internal and published modifications).